The following is an entry in ClinVar:

ClinVar aggregate classification (germline): Likely benign. Review status: criteria provided, multiple submitters, no conflicts (2 of 4 stars). 2 submissions from 2 submitters: Likely benign (2). Last evaluated 2025-10-02.

Conditions:
Frontotemporal dementia and/or amyotrophic lateral sclerosis 6 (FTDALS6). Also called: VCP-Related Amyotrophic Lateral Sclerosis/Frontotemporal Dementia; VCP-Related Amyotrophic Lateral Sclerosis. Identifiers: Orphanet 275872, Orphanet 803, MedGen C5436279, MONDO:0013501, OMIM 613954.
Inclusion body myopathy with Paget disease of bone and frontotemporal dementia. Also called: Inclusion body myopathy with early-onset Paget disease and frontotemporal dementia. Identifiers: Orphanet 52430, MedGen C1833662, MONDO:0000507.

Allele frequency attached by ClinVar (database versions not stated): gnomAD exomes 0.00002; TOPMed below 0.00001; ExAC 0.00002.

Submissions (2):

Labcorp Genetics (formerly Invitae), Labcorp
Classification: Likely benign for Inclusion body myopathy with Paget disease of bone and frontotemporal dementia; Frontotemporal dementia and/or amyotrophic lateral sclerosis 6. Last evaluated: 2025-10-02. Review status: criteria provided, single submitter. Criteria: Invitae Variant Classification Sherloc (09022015). Collection method: clinical testing. Allele origin: germline.

CeGaT Center for Human Genetics Tuebingen
Classification: Likely benign. Last evaluated: 2024-06-01. Review status: criteria provided, single submitter. Criteria: CeGaT Center For Human Genetics Tuebingen Variant Classification Criteria Version 2. Collection method: clinical testing. Allele origin: germline. Affected: yes. Observed: 1 variant allele.
Comment: VCP: BP4, BP7

NM_007126.5(VCP):c.411G>A (p.Pro137=)

Gene: VCP (valosin containing protein; minus strand). Cytogenetic location: 9p13.3.
Variant type: single nucleotide variant.
Coding change: c.411G>A on transcript NM_007126.5 (MANE Select); coding-DNA position 411, G replaced by A.
Protein change: p.Pro137=; no amino-acid change (proline 137 retained).
Molecular consequence: synonymous variant.
Genome position (GRCh38, 1-based): chr9:35,066,709, C>T on the plus strand (G>A on the coding strand, the complement: VCP is on the minus strand). VCF-style: chr9-35066709-C-T. GRCh37 (hg19) VCF-style: chr9-35066706-C-T.
Other names: c.276G>A, p.Pro92= (NM_001354927.2, NM_001354928.2).
Identifiers: ClinVar variation 2952307 (VCV002952307.21), dbSNP rs745690473, ClinGen allele CA5039488.